The following is an entry in ClinVar:

ClinVar aggregate classification (germline): Uncertain significance (1 of 4 stars; one submission).

Conditions:
EFTUD2-related disorder. Also called: EFTUD2-related condition.

Submission:

PreventionGenetics, part of Exact Sciences
Classification: Uncertain significance for EFTUD2-related condition. Last evaluated: 2026-07-07. Review status: criteria provided, single submitter. Criteria: ACMG Guidelines, 2015. Collection method: clinical testing. Allele origin: germline.
Comment: The EFTUD2 c.1060C>G variant is predicted to result in the amino acid substitution p.Arg354Gly. To our knowledge, this variant has not been reported in the literature or in a large population database (gnomAD), indicating this variant is rare. At this time, the clinical significance of this variant is uncertain due to the absence of conclusive functional and genetic evidence.

NM_004247.4(EFTUD2):c.1060C>G (p.Arg354Gly)

Gene: EFTUD2 (elongation factor Tu GTP binding domain containing 2; minus strand). Cytogenetic location: 17q21.31.
Variant type: single nucleotide variant.
Coding change: c.1060C>G on transcript NM_004247.4 (MANE Select); coding-DNA position 1060, C replaced by G.
Protein change: p.Arg354Gly; replaces arginine 354 with glycine.
Molecular consequence: missense variant.
Genome position (GRCh38, 1-based): chr17:44,867,896, G>C on the plus strand (C>G on the coding strand, the complement: EFTUD2 is on the minus strand). VCF-style: chr17-44867896-G-C. GRCh37 (hg19) VCF-style: chr17-42945264-G-C.
Other names: c.955C>G, p.Arg319Gly (NM_001142605.2); c.1060C>G, p.Arg354Gly (NM_001258353.2); c.1030C>G, p.Arg344Gly (NM_001258354.2); short protein forms R354G, R319G, R344G.
Identifiers: ClinVar variation 4977893 (VCV004977893.1).
Genomic context (GRCh38, chr17:44,867,896, plus strand): 5'-AGATAAACTCCACGAAACTTCTCTGGGAGCTGCTAGTTGGGGCCTTTTTGGTGAACTTTC[G>C]CCTAAAAGGAAAAATAAGTTCTGAGTGACCCAGGGGAAAAGGCACTATCACTGATCCCAA-3'
Protein context (NP_004238.3, residues 344-364): WGDIYFNPKT[Arg354Gly]KFTKKAPTSS